The following is an entry in ClinVar:

NM_173601.2(GXYLT1):c.54G>C (p.Ser18=)

Genes: GXYLT1 (glucoside xylosyltransferase 1; minus strand), LOC130007693 (ATAC-STARR-seq lymphoblastoid silent region 4358; plus strand). Cytogenetic location: 12q12.
Variant type: single nucleotide variant.
Coding change: c.54G>C on transcript NM_173601.2 (MANE Select); coding-DNA position 54, G replaced by C.
Protein change: p.Ser18=; no amino-acid change (serine 18 retained).
Molecular consequence: synonymous variant.
Genome position (GRCh38, 1-based): chr12:42,144,593, C>G on the plus strand (G>C on the coding strand, the complement: GXYLT1 is on the minus strand). VCF-style: chr12-42144593-C-G. GRCh37 (hg19) VCF-style: chr12-42538395-C-G.
Other names: c.54G>C, p.Ser18= (NM_001099650.2).
Identifiers: ClinVar variation 2642899 (VCV002642899.24), dbSNP rs1346687697, ClinGen allele CA479282587.

ClinVar aggregate classification (germline): Likely benign (1 of 4 stars; one submission).

Submission:

CeGaT Center for Human Genetics Tuebingen
Classification: Likely benign. Last evaluated: 2023-08-01. Review status: criteria provided, single submitter. Criteria: CeGaT Center For Human Genetics Tuebingen Variant Classification Criteria Version 2. Collection method: clinical testing. Allele origin: germline. Affected: yes. Observed: 1 variant allele.
Comment: GXYLT1: BP4, BP7